The following is an entry in ClinVar:

NM_004360.5(CDH1):c.1674C>T (p.Asn558=)

Gene: CDH1 (cadherin 1; plus strand). Cytogenetic location: 16q22.1.
Variant type: single nucleotide variant.
Coding change: c.1674C>T on transcript NM_004360.5 (MANE Select); coding-DNA position 1674, C replaced by T.
Protein change: p.Asn558=; no amino-acid change (asparagine 558 retained).
Molecular consequence: synonymous variant. On other transcripts: intron variant (1).
Genome position (GRCh38, 1-based): chr16:68,819,388, C>T. VCF-style: chr16-68819388-C-T. GRCh37 (hg19) VCF-style: chr16-68853291-C-T.
Other names: c.1491C>T, p.Asn497= (NM_001317184.2); c.126C>T, p.Asn42= (NM_001317185.2); c.-254-2613C>T (NM_001317186.2).
Identifiers: ClinVar variation 3378596 (VCV003378596.1).

ClinVar aggregate classification (germline): Benign (1 of 4 stars; one submission).

Conditions:
Hereditary diffuse gastric adenocarcinoma (HDGC). Also called: DIFFUSE GASTRIC AND LOBULAR BREAST CANCER SYNDROME. Identifiers: Orphanet 26106, MedGen C1708349, MONDO:0007648, OMIM 137215.

Submission:

Myriad Genetics, Inc.
Classification: Benign for Hereditary diffuse gastric adenocarcinoma. Last evaluated: 2024-09-19. Review status: criteria provided, single submitter. Criteria: Myriad Autosomal Dominant, Autosomal Recessive and X-Linked Classification Criteria (2023). Collection method: clinical testing. Allele origin: unknown.
Comment: This variant is considered benign. This variant is a silent/synonymous amino acid change and it is not expected to impact splicing.